The following is an entry in ClinVar:

ClinVar aggregate classification (germline): Benign/Likely benign. Review status: criteria provided, multiple submitters, no conflicts (2 of 4 stars). 10 submissions from 10 submitters: Benign (3); Likely benign (6). 1 of the submissions does not count toward it. Last evaluated 2026-02-04.

Conditions:
TSC1-related disorder. Also called: TSC1-related condition.
Hereditary cancer-predisposing syndrome. Also called: Hereditary Cancer Syndrome; Tumor predisposition; Neoplastic Syndromes, Hereditary; Hereditary neoplastic syndrome. Identifiers: Orphanet 140162, MedGen C0027672, MeSH D009386, MONDO:0015356.
Tuberous sclerosis syndrome (TSC). Also called: Tuberous Sclerosis Complex; Tuberous sclerosis. Identifiers: Orphanet 805, MedGen C0041341, MONDO:0001734.
Tuberous sclerosis 1 (TSC1). Identifiers: Orphanet 805, MedGen C1854465, MONDO:0008612, OMIM 191100.

Allele frequency attached by ClinVar (database versions not stated): 1000 Genomes Project 0.00040; gnomAD 0.00001 and 0.00007; TOPMed 0.00004; gnomAD exomes 0.00008; ExAC 0.00010; 1000 Genomes Project 30x 0.00031.
gnomAD v4.1: 133 of 1,614,140 alleles (0.0082%); highest among the groups gnomAD compares: East Asian, 0.29%; no homozygotes.

Submissions (10):

Labcorp Genetics (formerly Invitae), Labcorp
Classification: Benign for Tuberous sclerosis 1. Last evaluated: 2026-02-04. Review status: criteria provided, single submitter. Criteria: Invitae Variant Classification Sherloc (09022015). Collection method: clinical testing. Allele origin: germline.

PreventionGenetics, part of Exact Sciences
Classification: Likely benign for TSC1-related condition. Last evaluated: 2025-10-26. Review status: criteria provided, single submitter. Criteria: ACMG Guidelines, 2015. Collection method: clinical testing. Allele origin: germline.
Comment: This variant is classified as likely benign based on ACMG/AMP sequence variant interpretation guidelines (Richards et al. 2015 PMID: 25741868, with internal and published modifications).

CeGaT Center for Human Genetics Tuebingen
Classification: Likely benign. Last evaluated: 2024-11-01. Review status: criteria provided, single submitter. Criteria: CeGaT Center For Human Genetics Tuebingen Variant Classification Criteria Version 2. Collection method: clinical testing. Allele origin: germline. Affected: yes. Observed: 1 variant allele.
Comment: TSC1: BS1

Myriad Genetics, Inc.
Classification: Likely benign for Tuberous sclerosis 1. Last evaluated: 2024-08-13. Review status: criteria provided, single submitter. Criteria: Myriad Autosomal Dominant, Autosomal Recessive and X-Linked Classification Criteria (2023). Collection method: clinical testing. Allele origin: unknown.
Comment: This variant is considered likely benign. This variant has been observed at a population frequency that is significantly greater than expected given the associated disease prevalence and penetrance.

Color Diagnostics, LLC DBA Color Health
Classification: Benign for Tuberous sclerosis syndrome. Last evaluated: 2022-08-31. Review status: criteria provided, single submitter. Criteria: ACMG Guidelines, 2015. Collection method: clinical testing. Allele origin: germline.

Genome-Nilou Lab
Classification: Benign for Tuberous sclerosis 1. Last evaluated: 2021-11-07. Review status: criteria provided, single submitter. Criteria: ACMG Guidelines, 2015. Collection method: clinical testing. Allele origin: germline. Affected: no.

Sema4
Classification: Likely benign for Hereditary cancer-predisposing syndrome. Last evaluated: 2021-10-18. Review status: criteria provided, single submitter. Criteria: Sema4 Curation Guidelines. Collection method: curation. Allele origin: germline.

GeneDx
Classification: Likely benign. Last evaluated: 2020-10-23. Review status: criteria provided, single submitter. Criteria: GeneDx Variant Classification Process June 2021. Collection method: clinical testing. Allele origin: germline. Affected: yes.
Comment: This variant is associated with the following publications: (PMID: 31875159, 12705356, 10607950)

Ambry Genetics
Classification: Likely benign for Hereditary cancer-predisposing syndrome. Last evaluated: 2018-05-14. Review status: criteria provided, single submitter. Criteria: Ambry Variant Classification Scheme 2023. Collection method: clinical testing. Allele origin: germline.

Tuberous sclerosis database (TSC1)
No classification provided. Condition: TSC. Review status: no classification provided. Criteria: Tuberous Sclerosis Database Assertion Criteria 2015. Collection method: curation. Allele origin: germline. Affected: yes. Not counted in ClinVar's aggregate classification.

Literature cited by the submitters: PubMed 10607950 (cited by Ambry Genetics).

NM_000368.5(TSC1):c.2485A>C (p.Ser829Arg)

Gene: TSC1 (TSC complex subunit 1; minus strand). Cytogenetic location: 9q34.13.
Variant type: single nucleotide variant.
Coding change: c.2485A>C on transcript NM_000368.5 (MANE Select); coding-DNA position 2485, A replaced by C.
Protein change: p.Ser829Arg; replaces serine 829 with arginine.
Molecular consequence: missense variant.
Genome position (GRCh38, 1-based): chr9:132,901,606, T>G on the plus strand (A>C on the coding strand, the complement: TSC1 is on the minus strand). VCF-style: chr9-132901606-T-G. GRCh37 (hg19) VCF-style: chr9-135776993-T-G.
Other names: c.2482A>C, p.Ser828Arg (NM_001162426.2); c.2332A>C, p.Ser778Arg (NM_001162427.2); c.2122A>C, p.Ser708Arg (NM_001362177.2); short protein forms S829R, S708R, S778R, S828R.
Identifiers: ClinVar variation 48962 (VCV000048962.36), dbSNP rs118203699, ClinGen allele CA006502.